The following is an entry in ClinVar:

NM_001271938.2(MEGF8):c.8522C>G (p.Thr2841Ser)

Gene: MEGF8 (multiple EGF like domains 8; plus strand). Cytogenetic location: 19q13.2.
Variant type: single nucleotide variant.
Coding change: c.8522C>G on transcript NM_001271938.2 (MANE Select); coding-DNA position 8522, C replaced by G.
Protein change: p.Thr2841Ser; replaces threonine 2841 with serine.
Molecular consequence: missense variant.
Genome position (GRCh38, 1-based): chr19:42,376,759, C>G. VCF-style: chr19-42376759-C-G. GRCh37 (hg19) VCF-style: chr19-42880911-C-G.
Other names: c.8321C>G, p.Thr2774Ser (NM_001410.3); short protein forms T2774S, T2841S.
Identifiers: ClinVar variation 473353 (VCV000473353.7), dbSNP rs914088074, ClinGen allele CA308659603.

ClinVar aggregate classification (germline): Uncertain significance (1 of 4 stars; one submission).

Conditions:
MEGF8-related Carpenter syndrome. Also called: Carpenter syndrome 2. Identifiers: Orphanet 65759, MedGen C3554247, MONDO:0013998, OMIM 614976.

Allele frequency attached by ClinVar (database versions not stated): TOPMed 0.00003; gnomAD 0.00004.
gnomAD v4.1: 7 of 1,453,588 alleles (0.00048%); highest among the groups gnomAD compares: Admixed American, 0.0074%; no homozygotes.

Submission:

Labcorp Genetics (formerly Invitae), Labcorp
Classification: Uncertain significance for MEGF8-related Carpenter syndrome. Last evaluated: 2016-09-15. Review status: criteria provided, single submitter. Criteria: Invitae Variant Classification Sherloc (09022015). Collection method: clinical testing. Allele origin: germline.
Comment: While this variant is not present in population databases, the frequency information is unreliable, as metrics indicate poor data quality at this position in the ExAC database. This variant has not been reported in the literature in an individual with a MEGF8-related disease. In summary, this variant is a novel missense change with uncertain impact on protein function. It has been classified as a Variant of Uncertain Significance. Algorithms developed to predict the effect of missense changes on protein structure and function do not agree on the potential impact of this missense change (SIFT: "Deleterious"; PolyPhen-2: "Probably Damaging"; Align-GVGD: "Class C0"). This sequence change replaces threonine with serine at codon 2774 of the MEGF8 protein (p.Thr2774Ser). The threonine residue is moderately conserved and there is a small physicochemical difference between threonine and serine.